The following is an entry in ClinVar:

NM_002335.4(LRP5):c.3604C>T (p.His1202Tyr)

Gene: LRP5 (LDL receptor related protein 5; plus strand). Cytogenetic location: 11q13.2.
Variant type: single nucleotide variant.
Coding change: c.3604C>T on transcript NM_002335.4 (MANE Select); coding-DNA position 3604, C replaced by T.
Protein change: p.His1202Tyr; replaces histidine 1202 with tyrosine.
Molecular consequence: missense variant.
Genome position (GRCh38, 1-based): chr11:68,426,154, C>T. VCF-style: chr11-68426154-C-T. GRCh37 (hg19) VCF-style: chr11-68193622-C-T.
Other names: c.1861C>T, p.His621Tyr (NM_001291902.2); short protein forms H1202Y, H621Y.
Identifiers: ClinVar variation 3573924 (VCV003573924.2).

ClinVar aggregate classification (germline): Uncertain significance. Review status: criteria provided, multiple submitters, no conflicts (2 of 4 stars). 2 submissions from 2 submitters: Uncertain significance (2). Last evaluated 2025-08-28.

Conditions:
Polycystic liver disease 4 with or without kidney cysts. Identifiers: MedGen C4693479, MONDO:0044327, OMIM 617875.
Exudative vitreoretinopathy 4 (EVR4). Identifiers: Orphanet 891, MedGen C1866176, MONDO:0011151, OMIM 601813.
Worth disease. Also called: Autosomal dominant osteosclerosis, Worth type; ENDOSTEAL HYPEROSTOSIS, AUTOSOMAL DOMINANT; OSTEOSCLEROSIS, AUTOSOMAL DOMINANT. Identifiers: Orphanet 2790, MedGen C0432273, MONDO:0007764, OMIM 144750.
Bone mineral density quantitative trait locus 1 (BMND1). Identifiers: MedGen C1866079, OMIM 601884.
Autosomal dominant osteopetrosis 1 (OPTA1). Also called: OSTEOPETROSIS, AUTOSOMAL DOMINANT, TYPE I. Identifiers: Orphanet 2783, MedGen C1843330, MONDO:0011877, OMIM 607634.
Osteoporosis with pseudoglioma (OPPG). Also called: osteoporosis-pseudoglioma syndrome. Identifiers: Orphanet 2788, MedGen C0432252, MONDO:0009820, OMIM 259770.

gnomAD v4.1: 3 of 1,612,666 alleles (0.00019%); highest among the groups gnomAD compares: Non-Finnish European, 0.00025%; no homozygotes.

Submissions (2):

Labcorp Genetics (formerly Invitae), Labcorp
Classification: Uncertain significance. Last evaluated: 2025-08-28. Review status: criteria provided, single submitter. Criteria: Invitae Variant Classification Sherloc (09022015). Collection method: clinical testing. Allele origin: germline.
Comment: This sequence change replaces histidine, which is basic and polar, with tyrosine, which is neutral and polar, at codon 1202 of the LRP5 protein (p.His1202Tyr). This variant is not present in population databases (gnomAD no frequency). This variant has not been reported in the literature in individuals affected with LRP5-related conditions. ClinVar contains an entry for this variant (Variation ID: 3573924). Invitae Evidence Modeling of protein sequence and biophysical properties (such as structural, functional, and spatial information, amino acid conservation, physicochemical variation, residue mobility, and thermodynamic stability) indicates that this missense variant is not expected to disrupt LRP5 protein function with a negative predictive value of 95%. In summary, the available evidence is currently insufficient to determine the role of this variant in disease. Therefore, it has been classified as a Variant of Uncertain Significance.

Fulgent Genetics
Classification: Uncertain significance for Worth disease; Osteoporosis with pseudoglioma; Exudative vitreoretinopathy 4; Bone mineral density quantitative trait locus 1; Autosomal dominant osteopetrosis 1; Polycystic liver disease 4 with or without kidney cysts. Last evaluated: 2024-06-01. Review status: criteria provided, single submitter. Criteria: ACMG Guidelines, 2015. Collection method: clinical testing. Allele origin: germline.